The following is an entry in ClinVar:

NM_000540.3(RYR1):c.10773_10783del (p.Ile3592fs)

Gene: RYR1 (ryanodine receptor 1; plus strand). Cytogenetic location: 19q13.2.
Variant type: Deletion.
Coding change: c.10773_10783del on transcript NM_000540.3 (MANE Select); coding-DNA positions 10773 to 10783, 11 bases deleted (AATCGTGCGCA).
Protein change: p.Ile3592fs; shifts the reading frame from isoleucine 3592.
Molecular consequence: frameshift variant.
Genome position (GRCh38, 1-based): chr19:38,527,733-38,527,743, AATCGTGCGCA deleted; deleting any 11 consecutive bases within chr19:38,527,732-38,527,743 gives the same sequence; the c. name uses the placement nearest the transcript's 3' end. VCF-style (leftmost placement, unchanged base first): chr19-38527731-AAAATCGTGCGC-A. GRCh37 (hg19) VCF-style: chr19-39018371-AAAATCGTGCGC-A.
Other names: c.10758_10768del, p.Ile3587fs (NM_001042723.2); short protein forms I3587fs, I3592fs.
Identifiers: ClinVar variation 5040756 (VCV005040756.1).
Genomic context (GRCh38, chr19:38,527,731, plus strand): 5'-TGGCAGATGGCTCTGTACCGGGGCGTCCCGGGTCGCGAGGAGGACGCCGATGACCCCGAG[AAAATCGTGCGC>A]AGAGTCCAGGAAGTGTCAGCCGTGCTCTACTACCTGGACCAGGTGGGTGGGGCCGGAGGG-3'

ClinVar aggregate classification (germline): Pathogenic (1 of 4 stars; one submission).

Submission:

CeGaT Center for Human Genetics Tuebingen
Classification: Pathogenic. Last evaluated: 2026-07-01. Review status: criteria provided, single submitter. Criteria: CeGaT Center For Human Genetics Tuebingen Variant Classification Criteria Version 2. Collection method: clinical testing. Allele origin: germline. Affected: yes. Observed: 1 variant allele.
Comment: RYR1: PVS1, PM2